The following is an entry in ClinVar:

ClinVar aggregate classification (germline): Uncertain significance (1 of 4 stars; one submission).

Submission:

GeneDx
Classification: Uncertain significance. Last evaluated: 2022-06-10. Review status: criteria provided, single submitter. Criteria: GeneDx Variant Classification Process June 2021. Collection method: clinical testing. Allele origin: germline. Affected: yes.
Comment: Not observed at significant frequency in large population cohorts (gnomAD); In silico analysis supports that this missense variant does not alter protein structure/function; Has not been previously published as pathogenic or benign to our knowledge

NM_005866.4(SIGMAR1):c.200G>A (p.Arg67Gln)

Gene: SIGMAR1 (sigma non-opioid intracellular receptor 1; minus strand). Cytogenetic location: 9p13.3.
Variant type: single nucleotide variant.
Coding change: c.200G>A on transcript NM_005866.4 (MANE Select); coding-DNA position 200, G replaced by A.
Protein change: p.Arg67Gln; replaces arginine 67 with glutamine.
Molecular consequence: missense variant. On other transcripts: 5 prime UTR variant (1), non-coding transcript variant (1).
Genome position (GRCh38, 1-based): chr9:34,637,372, C>T on the plus strand (G>A on the coding strand, the complement: SIGMAR1 is on the minus strand). VCF-style: chr9-34637372-C-T. GRCh37 (hg19) VCF-style: chr9-34637369-C-T.
Other names: c.200G>A, p.Arg67Gln (NM_001282205.2, NM_001282208.2, NM_001282209.2 and 1 more transcripts); c.-54G>A (NM_001282206.2); c.140G>A, p.Arg47Gln (NM_001282207.2); short protein forms R47Q, R67Q.
Identifiers: ClinVar variation 1803541 (VCV001803541.1), dbSNP rs2492825793, ClinGen allele CA373275223.